The following is an entry in ClinVar:

ClinVar aggregate classification (germline): Likely pathogenic. Review status: criteria provided, multiple submitters, no conflicts (2 of 4 stars). 2 submissions from 2 submitters: Likely pathogenic (2). Last evaluated 2026-07-01.

Conditions:
Glycogen storage disease, type II (IOPD). Also called: CARDIOMEGALIA GLYCOGENICA DIFFUSA; GLYCOGENOSIS, GENERALIZED, CARDIAC FORM; GSD II; Glycogen storage disease type 2; Acid maltase deficiency disease; Aglucosidase alfa. Identifiers: Orphanet 365, MedGen C0017921, MONDO:0009290, OMIM 232300.

Submissions (2):

Genomenon, Inc
Classification: Likely pathogenic for Glycogen storage disease, type II. Last evaluated: 2026-07-01. Review status: criteria provided, single submitter. Criteria: Genomenon Sequence Variant Interpretation Standards - Updated. Collection method: curation. Allele origin: germline. Affected: no.
Comment: GAA c.1075+1G>A is a canonical splice variant affecting the donor splice site of intron 6. It is predicted to affect mRNA splicing, leading to a deleterious effect on the GAA protein. This variant has been reported in the published literature (PMID:34530085). At least one splicing study has demonstrated that this variant results in aberrant splicing (PMID:34530085). It is absent or not present at a significant frequency in gnomAD. In conclusion, we classify GAA c.1075+1G>A as a likely pathogenic variant.

Fulgent Genetics
Classification: Likely pathogenic for Glycogen storage disease, type II. Last evaluated: 2024-04-26. Review status: criteria provided, single submitter. Criteria: ACMG Guidelines, 2015. Collection method: clinical testing. Allele origin: germline.

Literature cited by the submitters: PubMed 34530085 (cited by Genomenon, Inc).

NM_000152.5(GAA):c.1075+1G>A

Gene: GAA (alpha glucosidase; plus strand). Cytogenetic location: 17q25.3.
Variant type: single nucleotide variant.
Coding change: c.1075+1G>A on transcript NM_000152.5 (MANE Select); the canonical splice donor site of the intron after coding-DNA position 1075, G replaced by A.
Molecular consequence: splice donor variant.
Genome position (GRCh38, 1-based): chr17:80,108,410, G>A. VCF-style: chr17-80108410-G-A. GRCh37 (hg19) VCF-style: chr17-78082209-G-A.
Other names: c.1075+1G>A (NM_001406741.1, NM_001406742.1, NM_001079803.3 and 1 more transcripts).
Identifiers: ClinVar variation 3583093 (VCV003583093.2).